The following is an entry in ClinVar:

NM_001458.5(FLNC):c.1654G>T (p.Gly552Cys)

Gene: FLNC (filamin C; plus strand). Cytogenetic location: 7q32.1.
Variant type: single nucleotide variant.
Coding change: c.1654G>T on transcript NM_001458.5 (MANE Select); coding-DNA position 1654, G replaced by T.
Protein change: p.Gly552Cys; replaces glycine 552 with cysteine.
Molecular consequence: missense variant.
Genome position (GRCh38, 1-based): chr7:128,840,652, G>T. VCF-style: chr7-128840652-G-T. GRCh37 (hg19) VCF-style: chr7-128480706-G-T.
Other names: c.1654G>T, p.Gly552Cys (NM_001127487.2); short protein forms G552C.
Identifiers: ClinVar variation 2116643 (VCV002116643.4), dbSNP rs2536626558, ClinGen allele CA369226783.
Genomic context (GRCh38, chr7:128,840,652, plus strand): 5'-GTGTTCGAGTGCGAGTACTACCCGGTGGTGCCTGGGAAGTATGTGGTGACCATCACGTGG[G>T]GCGGCTACGCCATCCCTCGCAGGTGAGTACCTTGCGCCCCCCATGCTGTCCTGTCTAGGC-3'
Protein context (NP_001449.3, residues 542-562): PGKYVVTITW[Gly552Cys]GYAIPRSPFE

ClinVar aggregate classification (germline): Uncertain significance (1 of 4 stars; one submission).

Conditions:
Myofibrillar myopathy 5. Also called: Filaminopathy (type); FILAMINOPATHY, AUTOSOMAL DOMINANT. Identifiers: Orphanet 171445, MedGen C1836050, MONDO:0012289, OMIM 609524.
Distal myopathy with posterior leg and anterior hand involvement. Also called: WILLIAMS DISTAL MYOPATHY. Identifiers: Orphanet 63273, MedGen C3279722, MONDO:0013550, OMIM 614065.
Hypertrophic cardiomyopathy 26. Also called: Cardiomyopathy, familial hypertrophic, 26. Identifiers: Orphanet 75249, MedGen C4310749, MONDO:0014883, OMIM 617047.

Submission:

Labcorp Genetics (formerly Invitae), Labcorp
Classification: Uncertain significance for Distal myopathy with posterior leg and anterior hand involvement; Myofibrillar myopathy 5; Hypertrophic cardiomyopathy 26. Last evaluated: 2024-02-19. Review status: criteria provided, single submitter. Criteria: Invitae Variant Classification Sherloc (09022015). Collection method: clinical testing. Allele origin: germline.
Comment: This sequence change replaces glycine, which is neutral and non-polar, with cysteine, which is neutral and slightly polar, at codon 552 of the FLNC protein (p.Gly552Cys). This variant is not present in population databases (gnomAD no frequency). This variant has not been reported in the literature in individuals affected with FLNC-related conditions. ClinVar contains an entry for this variant (Variation ID: 2116643). Advanced modeling of protein sequence and biophysical properties (such as structural, functional, and spatial information, amino acid conservation, physicochemical variation, residue mobility, and thermodynamic stability) has been performed at Invitae for this missense variant, however the output from this modeling did not meet the statistical confidence thresholds required to predict the impact of this variant on FLNC protein function. In summary, the available evidence is currently insufficient to determine the role of this variant in disease. Therefore, it has been classified as a Variant of Uncertain Significance.